The following is an entry in ClinVar:

NM_003245.4(TGM3):c.1836C>T (p.Asn612=)

Gene: TGM3 (transglutaminase 3; plus strand). Cytogenetic location: 20p13.
Variant type: single nucleotide variant.
Coding change: c.1836C>T on transcript NM_003245.4 (MANE Select); coding-DNA position 1836, C replaced by T.
Protein change: p.Asn612=; no amino-acid change (asparagine 612 retained).
Molecular consequence: synonymous variant.
Genome position (GRCh38, 1-based): chr20:2,339,889, C>T. VCF-style: chr20-2339889-C-T. GRCh37 (hg19) VCF-style: chr20-2320535-C-T.
Identifiers: ClinVar variation 3045770 (VCV003045770.3), dbSNP rs76528811, ClinGen allele CA9731337.

ClinVar aggregate classification (germline): Likely benign. Review status: criteria provided, single submitter (1 of 4 stars). 2 submissions from 2 submitters: Likely benign (1). 1 of the submissions does not count toward it. Last evaluated 2024-11-25.

Conditions:
TGM3-related disorder. Also called: TGM3-related condition.

Allele frequency attached by ClinVar (database versions not stated): ESP Exome Variant Server 0.00031; 1000 Genomes Project 30x 0.00078; 1000 Genomes Project 0.00100; gnomAD 0.00135.
gnomAD v4.1: 1,535 of 1,614,142 alleles (0.095%); highest among the groups gnomAD compares: Middle Eastern, 0.033%; 16 homozygotes.

Submissions (2):

Blueprint Genetics
Classification: Likely benign. Last evaluated: 2024-11-25. Review status: criteria provided, single submitter. Criteria: ACMG Guidelines, 2015. Collection method: clinical testing. Allele origin: germline.

PreventionGenetics, part of Exact Sciences
Classification: Benign for TGM3-related condition. Last evaluated: 2019-03-12. Review status: no assertion criteria provided. Collection method: clinical testing. Allele origin: germline. Not counted in ClinVar's aggregate classification.
Comment: This variant is classified as benign based on ACMG/AMP sequence variant interpretation guidelines (Richards et al. 2015 PMID: 25741868, with internal and published modifications).